The following is an entry in ClinVar:

NC_000008.10:g.(?_116599208)_(116635864_?)del

Gene: TRPS1 (transcriptional repressor GATA binding 1; minus strand). Cytogenetic location: 8q23.3.
Variant type: Deletion.
Identifiers: ClinVar variation 2425893 (VCV002425893.4).

ClinVar aggregate classification (germline): Pathogenic (1 of 4 stars; one submission).

Conditions:
Trichorhinophalangeal syndrome, type III (TRPS3). Also called: SUGIO-KAJII SYNDROME. Identifiers: Orphanet 77258, MedGen C1860823, OMIM 190351, MONDO:0008597.
Trichorhinophalangeal dysplasia type I (TRPS1). Also called: TRICHORHINOPHALANGEAL SYNDROME, TYPE I; TRPS I. Identifiers: Orphanet 77258, MedGen C0432233, MONDO:0008596, OMIM 190350.

Submission:

Labcorp Genetics (formerly Invitae), Labcorp
Classification: Pathogenic for Trichorhinophalangeal syndrome, type III; Trichorhinophalangeal dysplasia type I. Last evaluated: 2022-10-09. Review status: criteria provided, single submitter. Criteria: Invitae Variant Classification Sherloc (09022015). Collection method: clinical testing. Allele origin: germline.
Comment: A similar copy number variant has been observed in individuals with tricho-rhino-phalangeal syndrome (TRPS) (PMID: 25792522, 27826100; Invitae). This variant is a gross deletion of the genomic region encompassing exon(s) 2-5 of the TRPS1 gene, which includes the initiator codon. This deletion extends beyond the assayed region for this gene and therefore may encompass additional genes. It is expected to result in an absent or disrupted protein product. Loss-of-function variants in TRPS1 are known to be pathogenic (PMID: 11112658). For these reasons, this variant has been classified as Pathogenic. This variant is also known as deletion of exons 2-6.

Literature cited by the submitters: PubMed 25792522; PubMed 27826100; PubMed 11112658.